The following is an entry in ClinVar:

ClinVar aggregate classification (germline): Uncertain significance. Review status: criteria provided, multiple submitters, no conflicts (2 of 4 stars). 5 submissions from 5 submitters: Uncertain significance (3). 2 of the submissions do not count toward it. Last evaluated 2024-11-25.

Conditions:
Complement component 7 deficiency (C7D). Also called: C7 DEFICIENCY. Identifiers: MedGen C1864694, MONDO:0012412, OMIM 610102.

Allele frequency attached by ClinVar (database versions not stated): 1000 Genomes Project 30x 0.00031; 1000 Genomes Project 0.00040; gnomAD 0.00070 and 0.00073; ExAC 0.00080; gnomAD exomes 0.00085; TOPMed 0.00095; ESP Exome Variant Server 0.00122.
gnomAD v4.1: 1,719 of 1,613,624 alleles (0.11%); highest among the groups gnomAD compares: Non-Finnish European, 0.13%; 1 homozygote.

Submissions (5):

Blueprint Genetics
Classification: Uncertain significance. Last evaluated: 2024-11-25. Review status: criteria provided, single submitter. Criteria: ACMG Guidelines, 2015. Collection method: clinical testing. Allele origin: germline.

Labcorp Genetics (formerly Invitae), Labcorp
Classification: Uncertain significance. Last evaluated: 2022-09-19. Review status: criteria provided, single submitter. Criteria: Invitae Variant Classification Sherloc (09022015). Collection method: clinical testing. Allele origin: germline.
Comment: This sequence change replaces arginine, which is basic and polar, with tryptophan, which is neutral and slightly polar, at codon 618 of the C7 protein (p.Arg618Trp). This variant is present in population databases (rs202140226, gnomAD 0.1%), and has an allele count higher than expected for a pathogenic variant. This variant has not been reported in the literature in individuals affected with C7-related conditions. ClinVar contains an entry for this variant (Variation ID: 1037979). Advanced modeling of protein sequence and biophysical properties (such as structural, functional, and spatial information, amino acid conservation, physicochemical variation, residue mobility, and thermodynamic stability) performed at Invitae indicates that this missense variant is not expected to disrupt C7 protein function. Algorithms developed to predict the effect of sequence changes on RNA splicing suggest that this variant may disrupt the consensus splice site. In summary, the available evidence is currently insufficient to determine the role of this variant in disease. Therefore, it has been classified as a Variant of Uncertain Significance.

Fulgent Genetics
Classification: Uncertain significance for Complement component 7 deficiency. Last evaluated: 2022-04-11. Review status: criteria provided, single submitter. Criteria: ACMG Guidelines, 2015. Collection method: clinical testing. Allele origin: unknown.

Clinical Genetics DNA and cytogenetics Diagnostics Lab, Erasmus MC, Erasmus Medical Center
Classification: Uncertain significance. Review status: no assertion criteria provided. Collection method: clinical testing. Allele origin: germline. Affected: yes. Study: VKGL Data-share Consensus. Not counted in ClinVar's aggregate classification.

Diagnostic Laboratory, Department of Genetics, University Medical Center Groningen
Classification: Uncertain significance. Review status: no assertion criteria provided. Collection method: clinical testing. Allele origin: germline. Affected: yes. Study: VKGL Data-share Consensus. Not counted in ClinVar's aggregate classification.

NM_000587.4(C7):c.1852C>T (p.Arg618Trp)

Gene: C7 (complement C7; plus strand). Cytogenetic location: 5p13.1.
Variant type: single nucleotide variant.
Coding change: c.1852C>T on transcript NM_000587.4 (MANE Select); coding-DNA position 1852, C replaced by T.
Protein change: p.Arg618Trp; replaces arginine 618 with tryptophan.
Molecular consequence: missense variant.
Genome position (GRCh38, 1-based): chr5:40,964,843, C>T. VCF-style: chr5-40964843-C-T. GRCh37 (hg19) VCF-style: chr5-40964945-C-T.
Other names: short protein forms R618W.
Identifiers: ClinVar variation 1037979 (VCV001037979.7), dbSNP rs202140226, ClinGen allele CA3250103.
Genomic context (GRCh38, chr5:40,964,843, plus strand): 5'-ACTTGCAATGAAGGATACTCTCTTATTGGAAACCCAGTGGCCAGATGTGGAGAAGATTTA[C>T]GGTGGCTTGTTGGGGAAATGCATTGTCAGAGTGAGTGGCGTCAGTTGTATATAATTTAAG-3'
Protein context (NP_000578.2, residues 608-628): NPVARCGEDL[Arg618Trp]WLVGEMHCQK